The following is an entry in ClinVar:

NM_001458.5(FLNC):c.6727+7A>G

Genes: FLNC-AS1 (FLNC antisense RNA 1; minus strand), FLNC (filamin C; plus strand). Cytogenetic location: 7q32.1.
Variant type: single nucleotide variant.
Coding change: c.6727+7A>G on transcript NM_001458.5 (MANE Select); 7 bases into the intron after coding-DNA position 6727, A replaced by G.
Molecular consequence: intron variant.
Genome position (GRCh38, 1-based): chr7:128,854,223, A>G. VCF-style: chr7-128854223-A-G. GRCh37 (hg19) VCF-style: chr7-128494277-A-G.
Other names: c.6628+7A>G (NM_001127487.2).
Identifiers: ClinVar variation 472145 (VCV000472145.15), dbSNP rs746982412, ClinGen allele CA4476058.

ClinVar aggregate classification (germline): Likely benign. Review status: criteria provided, multiple submitters, no conflicts (2 of 4 stars). 3 submissions from 3 submitters: Likely benign (2). 1 of the submissions does not count toward it. Last evaluated 2025-12-16.

Conditions:
FLNC-related disorder. Also called: FLNC-related condition; FLNC-related disorders.
Myofibrillar myopathy 5. Also called: Filaminopathy (type); FILAMINOPATHY, AUTOSOMAL DOMINANT. Identifiers: Orphanet 171445, MedGen C1836050, MONDO:0012289, OMIM 609524.
Hypertrophic cardiomyopathy 26. Also called: Cardiomyopathy, familial hypertrophic, 26. Identifiers: Orphanet 75249, MedGen C4310749, MONDO:0014883, OMIM 617047.
Distal myopathy with posterior leg and anterior hand involvement. Also called: WILLIAMS DISTAL MYOPATHY. Identifiers: Orphanet 63273, MedGen C3279722, MONDO:0013550, OMIM 614065.

Allele frequency attached by ClinVar (database versions not stated): gnomAD exomes 0.00001 and 0.00010; ExAC 0.00002; TOPMed 0.00003.

Submissions (3):

Labcorp Genetics (formerly Invitae), Labcorp
Classification: Likely benign for Distal myopathy with posterior leg and anterior hand involvement; Myofibrillar myopathy 5; Hypertrophic cardiomyopathy 26. Last evaluated: 2025-12-16. Review status: criteria provided, single submitter. Criteria: Invitae Variant Classification Sherloc (09022015). Collection method: clinical testing. Allele origin: germline.

ARUP Laboratories, Molecular Genetics and Genomics, ARUP Laboratories
Classification: Likely benign. Last evaluated: 2024-03-14. Review status: criteria provided, single submitter. Criteria: ARUP Molecular Germline Variant Investigation Process 2024. Collection method: clinical testing. Allele origin: germline.

PreventionGenetics, part of Exact Sciences
Classification: Likely benign for FLNC-related condition. Last evaluated: 2020-10-30. Review status: no assertion criteria provided. Collection method: clinical testing. Allele origin: germline. Not counted in ClinVar's aggregate classification.
Comment: This variant is classified as likely benign based on ACMG/AMP sequence variant interpretation guidelines (Richards et al. 2015 PMID: 25741868, with internal and published modifications).